The following is an entry in ClinVar:

ClinVar aggregate classification (germline): Pathogenic (1 of 4 stars; one submission).

Conditions:
Hereditary spastic paraplegia 31. Also called: SPASTIC PARAPLEGIA 31, AUTOSOMAL DOMINANT. Identifiers: Orphanet 101011, MedGen C1853247, MONDO:0012453, OMIM 610250.

Submission:

Labcorp Genetics (formerly Invitae), Labcorp
Classification: Pathogenic for Hereditary spastic paraplegia 31. Last evaluated: 2018-11-29. Review status: criteria provided, single submitter. Criteria: Invitae Variant Classification Sherloc (09022015). Collection method: clinical testing. Allele origin: germline.
Comment: For these reasons, this variant has been classified as Pathogenic. Loss-of-function variants in REEP1 are known to be pathogenic (PMID: 18321925, 18644145, 22703882). This variant has not been reported in the literature in individuals with REEP1-related conditions. This variant is a gross deletion of the genomic region encompassing exon 1 of the REEP1 gene, which includes the initiator codon. The 5' end of this event is unknown as it extends beyond the assayed region for this gene and therefore may encompass additional genes. The 3' boundary is likely confined to intron 1 of the REEP1 gene. This is expected to result in an absent or disrupted protein product.

Literature cited by the submitters: PubMed 18321925; PubMed 18644145; PubMed 22703882.

NC_000002.12:g.(?_86337469)_(86337520_?)del

Gene: REEP1 (receptor accessory protein 1; minus strand). Cytogenetic location: 2p11.2.
Variant type: Deletion.
Identifiers: ClinVar variation 654092 (VCV000654092.3).